The following is an entry in ClinVar:

ClinVar aggregate classification (germline): Uncertain significance (1 of 4 stars; one submission).

gnomAD v4.1: 2 of 1,572,848 alleles (0.00013%); highest among the groups gnomAD compares: Non-Finnish European, 0.00017%; no homozygotes.

Submission:

Ambry Genetics
Classification: Uncertain significance. Last evaluated: 2025-11-25. Review status: criteria provided, single submitter. Criteria: Ambry Variant Classification Scheme 2023. Collection method: clinical testing. Allele origin: germline.
Comment: The p.L670M variant (also known as c.2008C>A), located in coding exon 18 of the SLMAP gene, results from a C to A substitution at nucleotide position 2008. The leucine at codon 670 is replaced by methionine, an amino acid with highly similar properties. This amino acid position is conserved. In addition, the in silico prediction for this alteration is inconclusive. Based on the available evidence, the clinical significance of this variant remains unclear.

NM_001377540.1(SLMAP):c.2110C>A (p.Leu704Met)

Gene: SLMAP (sarcolemma associated protein; plus strand). Cytogenetic location: 3p14.3.
Variant type: single nucleotide variant.
Coding change: c.2110C>A on transcript NM_001377540.1 (MANE Select); coding-DNA position 2110, C replaced by A.
Protein change: p.Leu704Met; replaces leucine 704 with methionine.
Molecular consequence: missense variant. On other transcripts: non-coding transcript variant (1).
Genome position (GRCh38, 1-based): chr3:57,913,247, C>A. VCF-style: chr3-57913247-C-A. GRCh37 (hg19) VCF-style: chr3-57898974-C-A.
Other names: c.2059C>A, p.Leu687Met (NM_001304420.3, NM_001377542.1, NM_001377541.1); c.2047C>A, p.Leu683Met (NM_001377545.1); c.2008C>A, p.Leu670Met (NM_001377549.1, NM_007159.5); c.1996C>A, p.Leu666Met (NM_001377551.1, NM_001377552.1); c.1987C>A, p.Leu663Met (NM_001377555.1); c.1945C>A, p.Leu649Met (NM_001377557.1, NM_001377559.1, NM_001304421.2); c.1936C>A, p.Leu646Met (NM_001377562.1, NM_001377921.1); c.661C>A, p.Leu221Met (NM_001304422.3, NM_001311178.2); and 8 more; short protein forms L646M, L649M, L683M, L155M, L625M, L642M, L666M, L711M.
Identifiers: ClinVar variation 4586810 (VCV004586810.1).